The following is an entry in ClinVar:

ClinVar aggregate classification (germline): Pathogenic. Review status: criteria provided, multiple submitters, no conflicts (2 of 4 stars). 3 submissions from 3 submitters: Pathogenic (2). 1 of the submissions does not count toward it. Last evaluated 2025-07-16.

Conditions:
Heterotaxy, visceral, 7, autosomal (HTX7). Identifiers: Orphanet 450, MedGen C4225217, MONDO:0014762, OMIM 616749.

Submissions (3):

Laboratorio de Genetica e Diagnostico Molecular, Hospital Israelita Albert Einstein
Classification: Pathogenic for Heterotaxy, visceral, 7, autosomal. Last evaluated: 2025-07-16. Review status: criteria provided, single submitter. Criteria: ACMG Guidelines, 2015. Collection method: clinical testing. Allele origin: germline. Affected: yes.
Comment: ACMG classification criteria: PVS1 very strong, PM2 supporting, PM3 supporting

GeneDx
Classification: Pathogenic. Last evaluated: 2023-09-07. Review status: criteria provided, single submitter. Criteria: GeneDx Variant Classification Process June 2021. Collection method: clinical testing. Allele origin: germline. Affected: yes.
Comment: Frameshift variant predicted to result in protein truncation or nonsense mediated decay in a gene for which loss of function is a known mechanism of disease; Not observed at significant frequency in large population cohorts (gnomAD); This variant is associated with the following publications: (PMID: 26429889)

OMIM
Classification: Pathogenic for HETEROTAXY, VISCERAL, 7, AUTOSOMAL. Last evaluated: 2024-05-06. Review status: no assertion criteria provided. Collection method: literature only. Allele origin: germline. Not counted in ClinVar's aggregate classification.

Literature cited by the submitters: PubMed 26429889 (cited by OMIM).

NM_147191.1(MMP21):c.1025_1026del (p.Lys342fs)

Gene: MMP21 (matrix metallopeptidase 21; minus strand). Cytogenetic location: 10q26.2.
Variant type: Deletion.
Coding change: c.1025_1026del on transcript NM_147191.1 (MANE Select); coding-DNA positions 1025 to 1026, 2 bases deleted (AA; older notation c.1025_1026delAA).
Protein change: p.Lys342fs; shifts the reading frame from lysine 342.
Molecular consequence: frameshift variant.
Genome position (GRCh38, 1-based): chr10:125,770,545-125,770,546, TT deleted on the plus strand (AA on the coding strand, the reverse complement: MMP21 is on the minus strand); deleting any 2 consecutive bases within chr10:125,770,545-125,770,547 gives the same sequence; the c. name uses the placement nearest the transcript's 3' end. VCF-style (leftmost placement, unchanged base first): chr10-125770544-CTT-C. GRCh37 (hg19) VCF-style: chr10-127459113-CTT-C.
Other names: short protein forms K342fs.
Identifiers: ClinVar variation 3235109 (VCV003235109.3), dbSNP rs1487834487, ClinGen allele CA661175137.